The following is an entry in ClinVar:

ClinVar aggregate classification (germline): Uncertain significance. Review status: criteria provided, multiple submitters, no conflicts (2 of 4 stars). 2 submissions from 2 submitters: Uncertain significance (2). Last evaluated 2024-07-01.

Conditions:
Roberts-SC phocomelia syndrome (RBS). Also called: LONG BONE DEFICIENCIES ASSOCIATED WITH CLEFT LIP-PALATE; Hypomelia hypotrichosis facial hemangioma syndrome; ESCO2 Spectrum Disorder; Pseudothalidomide syndrome; Appelt-Gerken-Lenz syndrome. Identifiers: Orphanet 3103, MedGen C0392475, MONDO:0100253, OMIM 268300.

Allele frequency attached by ClinVar (database versions not stated): gnomAD 0.00001; ExAC 0.00004; gnomAD exomes 0.00004 and 0.00005.

Submissions (2):

Labcorp Genetics (formerly Invitae), Labcorp
Classification: Uncertain significance. Last evaluated: 2024-07-01. Review status: criteria provided, single submitter. Criteria: Invitae Variant Classification Sherloc (09022015). Collection method: clinical testing. Allele origin: germline.
Comment: This sequence change replaces arginine, which is basic and polar, with lysine, which is basic and polar, at codon 106 of the ESCO2 protein (p.Arg106Lys). This variant is present in population databases (rs199638838, gnomAD 0.01%). This variant has not been reported in the literature in individuals affected with ESCO2-related conditions. ClinVar contains an entry for this variant (Variation ID: 362731). Algorithms developed to predict the effect of missense changes on protein structure and function output the following: SIFT: "Not Available"; PolyPhen-2: "Benign"; Align-GVGD: "Not Available". The lysine amino acid residue is found in multiple mammalian species, which suggests that this missense change does not adversely affect protein function. In summary, the available evidence is currently insufficient to determine the role of this variant in disease. Therefore, it has been classified as a Variant of Uncertain Significance.

Illumina Laboratory Services, Illumina
Classification: Uncertain significance for Roberts-SC phocomelia syndrome. Last evaluated: 2018-01-13. Review status: criteria provided, single submitter. Criteria: ICSL Variant Classification Criteria 13 December 2019. Collection method: clinical testing. Allele origin: germline.

NM_001017420.3(ESCO2):c.317G>A (p.Arg106Lys)

Gene: ESCO2 (establishment of sister chromatid cohesion N-acetyltransferase 2; plus strand). Cytogenetic location: 8p21.1.
Variant type: single nucleotide variant.
Coding change: c.317G>A on transcript NM_001017420.3 (MANE Select); coding-DNA position 317, G replaced by A.
Protein change: p.Arg106Lys; replaces arginine 106 with lysine.
Molecular consequence: missense variant.
Genome position (GRCh38, 1-based): chr8:27,776,625, G>A. VCF-style: chr8-27776625-G-A. GRCh37 (hg19) VCF-style: chr8-27634142-G-A.
Other names: short protein forms R106K.
Identifiers: ClinVar variation 362731 (VCV000362731.8), dbSNP rs199638838, ClinGen allele CA4692031.